The following is an entry in ClinVar:

NM_172364.5(CACNA2D4):c.1475T>C (p.Met492Thr)

Gene: CACNA2D4 (calcium voltage-gated channel auxiliary subunit alpha2delta 4; minus strand). Cytogenetic location: 12p13.33.
Variant type: single nucleotide variant.
Coding change: c.1475T>C on transcript NM_172364.5 (MANE Select); coding-DNA position 1475, T replaced by C.
Protein change: p.Met492Thr; replaces methionine 492 with threonine.
Molecular consequence: missense variant.
Genome position (GRCh38, 1-based): chr12:1,882,877, A>G on the plus strand (T>C on the coding strand, the complement: CACNA2D4 is on the minus strand). VCF-style: chr12-1882877-A-G. GRCh37 (hg19) VCF-style: chr12-1992043-A-G.
Other names: short protein forms M492T.
Identifiers: ClinVar variation 1423097 (VCV001423097.8), dbSNP rs1053793366, ClinGen allele CA231554992.

ClinVar aggregate classification (germline): Uncertain significance (1 of 4 stars; one submission).

Allele frequency attached by ClinVar (database versions not stated): gnomAD exomes 0.00001; gnomAD 0.00002; TOPMed 0.00002.
gnomAD v4.1: 26 of 1,613,626 alleles (0.0016%); highest among the groups gnomAD compares: South Asian, 0.0033%; no homozygotes.

Submission:

Labcorp Genetics (formerly Invitae), Labcorp
Classification: Uncertain significance. Last evaluated: 2024-03-01. Review status: criteria provided, single submitter. Criteria: Invitae Variant Classification Sherloc (09022015). Collection method: clinical testing. Allele origin: germline.
Comment: This sequence change replaces methionine, which is neutral and non-polar, with threonine, which is neutral and polar, at codon 492 of the CACNA2D4 protein (p.Met492Thr). This variant is present in population databases (no rsID available, gnomAD 0.003%). This variant has not been reported in the literature in individuals affected with CACNA2D4-related conditions. ClinVar contains an entry for this variant (Variation ID: 1423097). An algorithm developed to predict the effect of missense changes on protein structure and function (PolyPhen-2) suggests that this variant is likely to be tolerated. In summary, the available evidence is currently insufficient to determine the role of this variant in disease. Therefore, it has been classified as a Variant of Uncertain Significance.